The following is an entry in ClinVar:

ClinVar aggregate classification (germline): Uncertain significance. Review status: criteria provided, multiple submitters, no conflicts (2 of 4 stars). 3 submissions from 3 submitters: Uncertain significance (3). Last evaluated 2021-11-07.

Conditions:
Hereditary cancer-predisposing syndrome. Also called: Hereditary Cancer Syndrome; Neoplastic Syndromes, Hereditary; Tumor predisposition; Hereditary neoplastic syndrome. Identifiers: Orphanet 140162, MedGen C0027672, MeSH D009386, MONDO:0015356.
Microcephaly, normal intelligence and immunodeficiency (NBS). Also called: BERLIN BREAKAGE SYNDROME; Ataxia telangiectasia variant V1; IMMUNODEFICIENCY, MICROCEPHALY, AND CHROMOSOMAL INSTABILITY; SEEMANOVA SYNDROME II; Nijmegen breakage syndrome; Microcephaly with normal intelligence immunodeficiency and lymphoreticular malignancies. Identifiers: Orphanet 647, MedGen C0398791, MONDO:0009623, OMIM 251260.

Submissions (3):

Genome-Nilou Lab
Classification: Uncertain significance for Microcephaly, normal intelligence and immunodeficiency. Last evaluated: 2021-11-07. Review status: criteria provided, single submitter. Criteria: ACMG Guidelines, 2015. Collection method: clinical testing. Allele origin: germline. Affected: no.

Labcorp Genetics (formerly Invitae), Labcorp
Classification: Uncertain significance for Microcephaly, normal intelligence and immunodeficiency. Last evaluated: 2019-05-28. Review status: criteria provided, single submitter. Criteria: Invitae Variant Classification Sherloc (09022015). Collection method: clinical testing. Allele origin: germline.
Comment: This variant has not been reported in the literature in individuals with NBN-related conditions. ClinVar contains an entry for this variant (Variation ID: 233044). Algorithms developed to predict the effect of missense changes on protein structure and function are either unavailable or do not agree on the potential impact of this missense change (SIFT: "Deleterious"; PolyPhen-2: "Probably Damaging"; Align-GVGD: "Class C0"). In summary, the available evidence is currently insufficient to determine the role of this variant in disease. Therefore, it has been classified as a Variant of Uncertain Significance. This variant is not present in population databases (ExAC no frequency). This sequence change replaces phenylalanine with leucine at codon 229 of the NBN protein (p.Phe229Leu). The phenylalanine residue is highly conserved and there is a small physicochemical difference between phenylalanine and leucine.

Ambry Genetics
Classification: Uncertain significance for Hereditary cancer-predisposing syndrome. Last evaluated: 2015-07-17. Review status: criteria provided, single submitter. Criteria: Ambry Variant Classification Scheme 2023. Collection method: clinical testing. Allele origin: germline.
Comment: The p.F229L variant (also known as c.687T>G), located in coding exon 6 of the NBN gene, results from a T to G substitution at nucleotide position 687. The phenylalanine at codon 229 is replaced by leucine, an amino acid with highly similar properties. This amino acid position is highly conserved in available vertebrate species. In addition, this alteration is predicted to be deleterious by in silico analysis. Since supporting evidence is limited at this time, the clinical significance of p.F229L remains unclear.

NM_002485.5(NBN):c.687T>G (p.Phe229Leu)

Gene: NBN (nibrin; minus strand). Cytogenetic location: 8q21.3.
Variant type: single nucleotide variant.
Coding change: c.687T>G on transcript NM_002485.5 (MANE Select); coding-DNA position 687, T replaced by G.
Protein change: p.Phe229Leu; replaces phenylalanine 229 with leucine.
Molecular consequence: missense variant.
Genome position (GRCh38, 1-based): chr8:89,971,188, A>C on the plus strand (T>G on the coding strand, the complement: NBN is on the minus strand). VCF-style: chr8-89971188-A-C. GRCh37 (hg19) VCF-style: chr8-90983416-A-C.
Other names: c.441T>G, p.Phe147Leu (NM_001024688.3); short protein forms F229L, F147L.
Identifiers: ClinVar variation 233044 (VCV000233044.17), dbSNP rs876660152, ClinGen allele CA10578795.